The following is an entry in ClinVar:

ClinVar aggregate classification (germline): Uncertain significance. Review status: criteria provided, multiple submitters, no conflicts (2 of 4 stars). 2 submissions from 2 submitters: Uncertain significance (2). Last evaluated 2026-02-23.

Submissions (2):

Women's Health and Genetics/Laboratory Corporation of America, LabCorp
Classification: Uncertain significance. Last evaluated: 2026-02-23. Review status: criteria provided, single submitter. Criteria: LabCorp Variant Classification Summary - May 2015. Collection method: clinical testing. Allele origin: germline.
Comment: Variant summary: RIT1 c.653_655delinsCAC (p.Val218_Thr219delinsAlaPro) results in an in-frame deletion-insertion that is predicted to delete/insert two amino acids from the protein and also cause changes in two amino acids. The variant was absent in 251296 control chromosomes. The available data on variant occurrences in the general population are insufficient to allow any conclusion about variant significance. To our knowledge, no occurrence of c.653_655delinsCAC in individuals affected with RIT1-related conditions and no experimental evidence demonstrating its impact on protein function have been reported. ClinVar contains an entry for this variant (Variation ID: 2580475). Based on the evidence outlined above, the variant was classified as uncertain significance.

GeneDx
Classification: Uncertain significance. Last evaluated: 2023-03-20. Review status: criteria provided, single submitter. Criteria: GeneDx Variant Classification Process June 2021. Collection method: clinical testing. Allele origin: germline. Affected: yes.
Comment: Has not been previously published as pathogenic or benign to our knowledge; In-frame deletion of 2 amino acids and insertion of 2 incorrect amino acids in a non-repeat region; In silico analysis supports that this variant does not alter protein structure/function

NM_006912.6(RIT1):c.653_655delinsCAC (p.Val218_Thr219delinsAlaPro)

Gene: RIT1 (Ras like without CAAX 1; minus strand). Cytogenetic location: 1q22.
Variant type: Indel.
Coding change: c.653_655delinsCAC on transcript NM_006912.6 (MANE Select); coding-DNA positions 653 to 655, TAA replaced by CAC.
Protein change: p.Val218_Thr219delinsAlaPro.
Molecular consequence: missense variant.
Genome position (GRCh38, 1-based): chr1:155,900,393-155,900,395, TTA replaced by GTG on the plus strand (TAA replaced by CAC on the coding strand, the reverse complement: RIT1 is on the minus strand). VCF-style: chr1-155900393-TTA-GTG. GRCh37 (hg19) VCF-style: chr1-155870184-TTA-GTG.
Other names: c.545_547delinsCAC, p.Val182_Thr183delinsAlaPro (NM_001256820.2); c.704_706delinsCAC, p.Val235_Thr236delinsAlaPro (NM_001256821.2).
Identifiers: ClinVar variation 2580475 (VCV002580475.2), dbSNP rs2527170841, ClinGen allele CA2580618190.